The following is an entry in ClinVar:

NM_001042492.3(NF1):c.5721_5722insTTTTTTTTTTTTTTTTTTTTTTTTTTTTTTTNNNNNNNNNNNNNNNCAGGATAGTCTCGATCTCCTGACCTCGTGATCCGCCCGCCTCGGCCTCCCAAAGTGCTGGGATTACAGGCGTGAGCCACCGCGCCCGGCCAACAACACCCTCTTT (p.Ile1908delinsPhePhePhePhePhePhePhePhePhePheXaaXaaXaaXaaXaaXaaGlyTer)

Gene: NF1 (neurofibromin 1; plus strand). Cytogenetic location: 17q11.2.
Variant type: Insertion.
Coding change: c.5721_5722insTTTTTTTTTTTTTTTTTTTTTTTTTTTTTTTNNNNNNNNNNNNNNNCAGGATAGTCTCGATCTCCTGACCTCGTGATCCGCCCGCCTCGGCCTCCCAAAGTGCTGGGATTACAGGCGTGAGCCACCGCGCCCGGCCAACAACACCCTCTTT on transcript NM_001042492.3 (MANE Select); coding-DNA positions 5721 to 5722, TTTTTTTTTTTTTTTTTTTTTTTTTTTTTTTNNNNNNNNNNNNNNNCAGGATAGTCTCGATCTCCTGACCTCGTGATCCGCCCGCCTCGGCCTCCCAAAGTGCTGGGATTACAGGCGTGAGCCACCGCGCCCGGCCAACAACACCCTCTTT inserted.
Protein change: p.Ile1908delinsPhePhePhePhePhePhePhePhePhePheXaaXaaXaaXaaXaaXaaGlyTer.
Molecular consequence: nonsense. On other transcripts: frameshift variant (1).
Genome position: GRCh38: chr17:31,330,407-31,330,408. GRCh37 (hg19): chr17:29,657,425-29,657,426.
Other names: c.5658_5659insTTTTTTTTTTTTTTTTTTTTTTTTTTTTTTTNNNNNNNNNNNNNNNCAGGATAGTCTCGATCTCCTGACCTCGTGATCCGCCCGCCTCGGCCTCCCAAAGTGCTGGGATTACAGGCGTGAGCCACCGCGCCCGGCCAACAACACCCTCTTT, p.Ile1887Phefs (NM_000267.4).
Identifiers: ClinVar variation 1076369 (VCV001076369.5), dbSNP rs2151544665.

ClinVar aggregate classification (germline): Pathogenic (1 of 4 stars; one submission).

Conditions:
Neurofibromatosis, type 1 (NF1). Also called: VON RECKLINGHAUSEN DISEASE; Peripheral type neurofibromatosis; NEUROFIBROMATOSIS, TYPE I, SOMATIC; Neurofibromatosis, type I. Identifiers: Orphanet 636, MedGen C0027831, MONDO:0018975, OMIM 162200. Disease mechanism: loss of function.

Submission:

Labcorp Genetics (formerly Invitae), Labcorp
Classification: Pathogenic for Neurofibromatosis, type 1. Last evaluated: 2018-03-05. Review status: criteria provided, single submitter. Criteria: Invitae Variant Classification Sherloc (09022015). Collection method: clinical testing. Allele origin: germline.
Comment: For these reasons, this variant has been classified as Pathogenic. Retrotransposon insertions including LINE1 (L1), Alu, and SVA (SINE-VNTR-Alu) have been reported to be disease-causing through disruption of either a coding region or splice site (PMID: 19763152, 20307669, 22406018) and loss-of-function variants in NF1 are known to be pathogenic (PMID: 10712197, 23913538). This sequence change inserts a transposable element in 38 of the NF1 mRNA (c.5658_5659insAlu), causing a frameshift at codon 1887 (p.Ile1887fs). The exact size and sequence of the insertion cannot be determined by the current assay. However, the insertion is expected to result in an absent or disrupted protein product.

Literature cited by the submitters: PubMed 19763152; PubMed 20307669; PubMed 22406018; PubMed 10712197; PubMed 23913538.